The following is an entry in ClinVar:

NM_000260.4(MYO7A):c.*392A>G

Gene: MYO7A (myosin VIIA; plus strand). Cytogenetic location: 11q13.5.
Variant type: single nucleotide variant.
Coding change: c.*392A>G on transcript NM_000260.4 (MANE Select); 392 bases downstream of the stop codon, A replaced by G.
Molecular consequence: 3 prime UTR variant.
Genome position (GRCh38, 1-based): chr11:77,215,088, A>G. VCF-style: chr11-77215088-A-G. GRCh37 (hg19) VCF-style: chr11-76926133-A-G.
Other names: c.*392A>G (NM_001127180.2, NM_001369365.1).
Identifiers: ClinVar variation 881078 (VCV000881078.34), dbSNP rs144527614, ClinGen allele CA224830899.

ClinVar aggregate classification (germline): Conflicting classifications of pathogenicity. Review status: criteria provided, conflicting classifications (1 of 4 stars). 5 submissions from 3 submitters: Uncertain significance (2); Benign (1); Likely benign (2). Last evaluated 2023-05-01.

Conditions:
Autosomal recessive nonsyndromic hearing loss 2. Also called: DEAFNESS, AUTOSOMAL RECESSIVE 2; NEUROSENSORY NONSYNDROMIC RECESSIVE DEAFNESS 2. Identifiers: Orphanet 90636, MedGen C1838701, MONDO:0010807, OMIM 600060.
Autosomal dominant nonsyndromic hearing loss 11. Identifiers: Orphanet 90635, MedGen C1832475, MONDO:0011032, OMIM 601317.
Usher syndrome type 1 (USH1). Also called: RETINITIS PIGMENTOSA AND CONGENITAL DEAFNESS. Identifiers: Orphanet 231169, Orphanet 886, MedGen C1568247, MONDO:0010168, OMIM 276900.

Allele frequency attached by ClinVar (database versions not stated): 1000 Genomes Project 0.00200; 1000 Genomes Project 30x 0.00203; TOPMed 0.00656; gnomAD 0.00705 and 0.00712; gnomAD exomes 0.00998.
gnomAD v4.1: 1,653 of 212,222 alleles (0.78%); highest among the groups gnomAD compares: Non-Finnish European, 1.2%; 13 homozygotes.

Submissions (5):

CeGaT Center for Human Genetics Tuebingen
Classification: Benign. Last evaluated: 2023-05-01. Review status: criteria provided, single submitter. Criteria: CeGaT Center For Human Genetics Tuebingen Variant Classification Criteria Version 2. Collection method: clinical testing. Allele origin: germline. Affected: yes. Observed: 4 variant alleles.
Comment: MYO7A: BS1, BS2

GeneDx
Classification: Likely benign. Last evaluated: 2021-05-24. Review status: criteria provided, single submitter. Criteria: GeneDx Variant Classification Process June 2021. Collection method: clinical testing. Allele origin: germline. Affected: yes.

Illumina Laboratory Services, Illumina
Classification: Uncertain significance for Autosomal dominant nonsyndromic hearing loss 11. Last evaluated: 2017-04-27. Review status: criteria provided, single submitter. Criteria: ICSL Variant Classification Criteria 13 December 2019. Collection method: clinical testing. Allele origin: germline.

Illumina Laboratory Services, Illumina
Classification: Likely benign for Usher syndrome type 1. Last evaluated: 2017-04-27. Review status: criteria provided, single submitter. Criteria: ICSL Variant Classification Criteria 13 December 2019. Collection method: clinical testing. Allele origin: germline.
Comment: This variant was observed as part of a predisposition screen in an ostensibly healthy population. A literature search was performed for the gene, cDNA change, and amino acid change (where applicable). No publications were found based on this search. Allele frequency data from public databases allowed determination this variant is unlikely to cause disease. Therefore, this variant is classified as likely benign.

Illumina Laboratory Services, Illumina
Classification: Uncertain significance for Autosomal recessive nonsyndromic hearing loss 2. Last evaluated: 2017-04-27. Review status: criteria provided, single submitter. Criteria: ICSL Variant Classification Criteria 13 December 2019. Collection method: clinical testing. Allele origin: germline.